The following is an entry in ClinVar:

NM_004944.4(DNASE1L3):c.275G>A (p.Arg92Gln)

Gene: DNASE1L3 (deoxyribonuclease 1L3; minus strand). Cytogenetic location: 3p14.3.
Variant type: single nucleotide variant.
Coding change: c.275G>A on transcript NM_004944.4 (MANE Select); coding-DNA position 275, G replaced by A.
Protein change: p.Arg92Gln; replaces arginine 92 with glutamine.
Molecular consequence: missense variant. On other transcripts: intron variant (1).
Genome position (GRCh38, 1-based): chr3:58,205,516, C>T on the plus strand (G>A on the coding strand, the complement: DNASE1L3 is on the minus strand). VCF-style: chr3-58205516-C-T. GRCh37 (hg19) VCF-style: chr3-58191243-C-T.
Other names: c.231-635G>A (NM_001256560.2); short protein forms R92Q.
Identifiers: ClinVar variation 1379675 (VCV001379675.7), dbSNP rs561644406, ClinGen allele CA2470061.

ClinVar aggregate classification (germline): Uncertain significance. Review status: criteria provided, multiple submitters, no conflicts (2 of 4 stars). 2 submissions from 2 submitters: Uncertain significance (2). Last evaluated 2024-06-15.

Conditions:
Autosomal systemic lupus erythematosus type 16. Also called: Systemic lupus erythematosus 16. Identifiers: Orphanet 300345, MedGen C3280742, MONDO:0013743, OMIM 614420.

Allele frequency attached by ClinVar (database versions not stated): gnomAD 0.00002 and 0.00003; gnomAD exomes 0.00002 and 0.00004; TOPMed 0.00004; ExAC 0.00005; 1000 Genomes Project 30x 0.00016; 1000 Genomes Project 0.00020.
gnomAD v4.1: 41 of 1,614,026 alleles (0.0025%); highest among the groups gnomAD compares: South Asian, 0.011%; no homozygotes.

Submissions (2):

Fulgent Genetics
Classification: Uncertain significance for Autosomal systemic lupus erythematosus type 16. Last evaluated: 2024-06-15. Review status: criteria provided, single submitter. Criteria: ACMG Guidelines, 2015. Collection method: clinical testing. Allele origin: germline.

Labcorp Genetics (formerly Invitae), Labcorp
Classification: Uncertain significance. Last evaluated: 2022-04-21. Review status: criteria provided, single submitter. Criteria: Invitae Variant Classification Sherloc (09022015). Collection method: clinical testing. Allele origin: germline.
Comment: This sequence change replaces arginine, which is basic and polar, with glutamine, which is neutral and polar, at codon 92 of the DNASE1L3 protein (p.Arg92Gln). This variant is present in population databases (rs561644406, gnomAD 0.007%). This variant has not been reported in the literature in individuals affected with DNASE1L3-related conditions. Algorithms developed to predict the effect of missense changes on protein structure and function (SIFT, PolyPhen-2, Align-GVGD) all suggest that this variant is likely to be disruptive. In summary, the available evidence is currently insufficient to determine the role of this variant in disease. Therefore, it has been classified as a Variant of Uncertain Significance.